The following is an entry in ClinVar:

NM_000059.4(BRCA2):c.9956C>A (p.Ser3319Tyr)

Gene: BRCA2 (BRCA2 DNA repair associated; plus strand). Cytogenetic location: 13q13.1.
Variant type: single nucleotide variant.
Coding change: c.9956C>A on transcript NM_000059.4 (MANE Select); coding-DNA position 9956, C replaced by A.
Protein change: p.Ser3319Tyr; replaces serine 3319 with tyrosine.
Molecular consequence: missense variant.
Genome position (GRCh38, 1-based): chr13:32,398,469, C>A. VCF-style: chr13-32398469-C-A. GRCh37 (hg19) VCF-style: chr13-32972606-C-A.
Other names: c.9860C>A, p.Ser3287Tyr (NM_001406719.1); c.9905C>A, p.Ser3302Tyr (NM_001406720.1); c.5024C>A, p.Ser1675Tyr (NM_001406721.1); c.3539C>A, p.Ser1180Tyr (NM_001406722.1); short protein forms S3287Y, S3302Y, S1180Y, S1675Y, S3319Y.
Identifiers: ClinVar variation 1704634 (VCV001704634.3), dbSNP rs778694116, ClinGen allele CA247509281.

ClinVar aggregate classification (germline): Conflicting classifications of pathogenicity. Review status: criteria provided, conflicting classifications (1 of 4 stars). 3 submissions from 3 submitters: Uncertain significance (2); Likely benign (1). Last evaluated 2025-11-10.

Conditions:
Hereditary cancer-predisposing syndrome. Also called: Tumor predisposition; Neoplastic Syndromes, Hereditary; Hereditary Cancer Syndrome; Hereditary neoplastic syndrome. Identifiers: Orphanet 140162, MedGen C0027672, MeSH D009386, MONDO:0015356.
Familial cancer of breast. Also called: hereditary breast carcinoma; Hereditary breast cancer; BREAST CANCER, FAMILIAL. Identifiers: Orphanet 227535, MedGen C0346153, MONDO:0016419, OMIM 114480. Disease mechanism: loss of function.

gnomAD v4.1: 3 of 1,614,150 alleles (0.00019%); highest among the groups gnomAD compares: Admixed American, 0.0017%; no homozygotes.

Submissions (3):

Ambry Genetics
Classification: Likely benign for Hereditary cancer-predisposing syndrome. Last evaluated: 2025-11-10. Review status: criteria provided, single submitter. Criteria: Ambry Variant Classification Scheme 2023. Collection method: clinical testing. Allele origin: germline.

Baylor Genetics
Classification: Uncertain significance for Familial cancer of breast. Last evaluated: 2024-02-06. Review status: criteria provided, single submitter. Criteria: ACMG Guidelines, 2015. Collection method: clinical testing. Allele origin: unknown.

Women's Health and Genetics/Laboratory Corporation of America, LabCorp
Classification: Uncertain significance. Last evaluated: 2022-07-11. Review status: criteria provided, single submitter. Criteria: LabCorp Variant Classification Summary - May 2015. Collection method: clinical testing. Allele origin: germline.
Comment: Variant summary: BRCA2 c.9956C>A (p.Ser3319Tyr) results in a non-conservative amino acid change in the encoded protein sequence. Three of five in-silico tools predict a damaging effect of the variant on protein function. The variant allele was found at a frequency of 4e-06 in 251146 control chromosomes (gnomAD). The available data on variant occurrences in the general population are insufficient to allow any conclusion about variant significance. To our knowledge c.9956C>A has not been reported in the literature in individuals affected with Hereditary Breast And/or Ovarian Cancer and no experimental evidence demonstrating an impact on protein function has been reported. No clinical diagnostic laboratories have submitted clinical-significance assessments for this variant to ClinVar after 2014. Based on the evidence outlined above, the variant was classified as uncertain significance.

Literature cited by the submitters: PubMed 28591715 (cited by Women's Health and Genetics/Laboratory Corporation of America, LabCorp).